The following is an entry in ClinVar:

ClinVar aggregate classification (germline): Likely benign. Review status: reviewed by expert panel (3 of 4 stars). 3 submissions from 3 submitters: Likely benign (1). 2 of the submissions do not count toward it. Last evaluated 2022-02-14.

Conditions:
Hereditary thrombocytopenia and hematological cancer predisposition syndrome associated with RUNX1. Also called: PLATELET DISORDER, ASPIRIN-LIKE; Familial Platelet Disorder with Propensity to Acute Myelogenous Leukemia; Familial thrombocytopenia with propensity to acute myelogenous leukemia; RUNX1 Familial Platelet Disorder with Associated Myeloid Malignancies. Identifiers: Orphanet 71290, MedGen C1832388, MeSH C563324, MONDO:0100083, OMIM 601399.
Hereditary thrombocytopenia and hematologic cancer predisposition syndrome. Identifiers: Orphanet 71290, MedGen CN281654, MONDO:0011071.
Inborn genetic diseases. Identifiers: MedGen C0950123, MeSH D030342.

Allele frequency attached by ClinVar (database versions not stated): TOPMed below 0.00001; gnomAD exomes 0.00001; ExAC 0.00002.
gnomAD v4.1: 8 of 1,612,732 alleles (0.0005%); highest among the groups gnomAD compares: South Asian, 0.0055%; no homozygotes.

Submissions (3):

ClinGen Myeloid Malignancy Variant Curation Expert Panel
Classification: Likely benign for Hereditary thrombocytopenia and hematologic cancer predisposition syndrome. Last evaluated: 2022-02-14. Review status: reviewed by expert panel. Criteria: ClinGen MyeloMalig ACMG Specifications v2. Collection method: curation. Allele origin: germline. Inheritance: Autosomal dominant inheritance.
Comment: NM_001754.5(RUNX1):c.249C>G (p.Ala83=) is a synonymous variant. Evolutionary conservation prediction algorithms predict the site as not being conserved (phyloP 0.324528 is <2.0) meeting BP7. This variant is a synonymous variant therefore no REVEL score is applicable and Splice is ≤0.20 (0.00) meeting BP4. In summary, this variant meets criteria to be classified as likely benign. ACMG/AMP criteria applied, as specified by the Myeloid Malignancy Variant Curation Expert Panel for RUNX1: BP7 and BP4.

Ambry Genetics
Classification: Likely benign for Inborn genetic diseases. Last evaluated: 2025-11-18. Review status: criteria provided, single submitter. Criteria: Ambry Variant Classification Scheme 2023. Collection method: clinical testing. Allele origin: germline. Not counted in ClinVar's aggregate classification.

Labcorp Genetics (formerly Invitae), Labcorp
Classification: Likely benign for Hereditary thrombocytopenia and hematological cancer predisposition syndrome associated with RUNX1. Last evaluated: 2023-02-14. Review status: criteria provided, single submitter. Criteria: Invitae Variant Classification Sherloc (09022015). Collection method: clinical testing. Allele origin: germline. Not counted in ClinVar's aggregate classification.

NM_001754.5(RUNX1):c.249C>G (p.Ala83=)

Gene: RUNX1 (RUNX family transcription factor 1; minus strand). Cytogenetic location: 21q22.12.
Variant type: single nucleotide variant.
Coding change: c.249C>G on transcript NM_001754.5 (MANE Select); coding-DNA position 249, C replaced by G.
Protein change: p.Ala83=; no amino-acid change (alanine 83 retained).
Molecular consequence: synonymous variant.
Genome position (GRCh38, 1-based): chr21:34,886,945, G>C on the plus strand (C>G on the coding strand, the complement: RUNX1 is on the minus strand). VCF-style: chr21-34886945-G-C. GRCh37 (hg19) VCF-style: chr21-36259242-G-C.
Other names: NM_001754.5(RUNX1):c.249C>G; p.Ala83=; c.168C>G, p.Ala56= (NM_001001890.3, NM_001122607.2).
Identifiers: ClinVar variation 770248 (VCV000770248.10), dbSNP rs751280667, ClinGen allele CA10014563.
Genomic context (GRCh38, chr21:34,886,945, plus strand): 5'-AGGCAGCACGGAGCAGAGGAAGTTGGGGCTGTCGGTGCGCACCAGCTCGCCCGGGTGGTC[G>C]GCCAGCACCTCCACCATGCTGCGGTCGCCGCTCCTCAGCTTGCCGGCCAGGGCAGCGCCG-3'
Protein context (NP_001745.2, residues 73-93): SGDRSMVEVL[Ala83=]DHPGELVRTD